The following is an entry in ClinVar:

ClinVar aggregate classification (germline): Uncertain significance. Review status: criteria provided, multiple submitters, no conflicts (2 of 4 stars). 2 submissions from 2 submitters: Uncertain significance (2). Last evaluated 2025-01-24.

Conditions:
Inborn genetic diseases. Identifiers: MedGen C0950123, MeSH D030342.
Beckwith-Wiedemann syndrome (BWS). Also called: EMG SYNDROME; Exomphalos macroglossia gigantism syndrome. Identifiers: Orphanet 116, MedGen C0004903, MONDO:0007534, OMIM 130650.

Submissions (2):

Ambry Genetics
Classification: Uncertain significance for Inborn genetic diseases. Last evaluated: 2025-01-24. Review status: criteria provided, single submitter. Criteria: Ambry Variant Classification Scheme 2023. Collection method: clinical testing. Allele origin: germline.

Labcorp Genetics (formerly Invitae), Labcorp
Classification: Uncertain significance for Beckwith-Wiedemann syndrome. Last evaluated: 2022-07-29. Review status: criteria provided, single submitter. Criteria: Invitae Variant Classification Sherloc (09022015). Collection method: clinical testing. Allele origin: germline.
Comment: This sequence change replaces proline, which is neutral and non-polar, with leucine, which is neutral and non-polar, at codon 212 of the CDKN1C protein (p.Pro212Leu). The frequency data for this variant in the population databases is considered unreliable, as metrics indicate insufficient coverage at this position in the gnomAD database. This variant has not been reported in the literature in individuals affected with CDKN1C-related conditions. ClinVar contains an entry for this variant (Variation ID: 660475). Algorithms developed to predict the effect of missense changes on protein structure and function are either unavailable or do not agree on the potential impact of this missense change (SIFT: "Tolerated"; PolyPhen-2: "Not Available"; Align-GVGD: "Class C0"). In summary, the available evidence is currently insufficient to determine the role of this variant in disease. Therefore, it has been classified as a Variant of Uncertain Significance.

NM_001122630.2(CDKN1C):c.602C>T (p.Pro201Leu)

Gene: CDKN1C (cyclin dependent kinase inhibitor 1C; minus strand). Cytogenetic location: 11p15.4.
Variant type: single nucleotide variant.
Coding change: c.602C>T on transcript NM_001122630.2 (MANE Select); coding-DNA position 602, C replaced by T.
Protein change: p.Pro201Leu; replaces proline 201 with leucine.
Molecular consequence: missense variant. On other transcripts: intron variant (1).
Genome position (GRCh38, 1-based): chr11:2,884,855, G>A on the plus strand (C>T on the coding strand, the complement: CDKN1C is on the minus strand). VCF-style: chr11-2884855-G-A. GRCh37 (hg19) VCF-style: chr11-2906085-G-A.
Other names: c.635C>T, p.Pro212Leu (LRG_533t1, NM_000076.2, NM_001362474.2); c.602C>T, p.Pro201Leu (NM_001122631.2); c.255+347C>T (NM_001362475.2); short protein forms P212L, P201L.
Identifiers: ClinVar variation 660475 (VCV000660475.9), dbSNP rs1590149394, ClinGen allele CA379146173.